The following is an entry in ClinVar:

ClinVar aggregate classification (germline): Conflicting classifications of pathogenicity. Review status: criteria provided, conflicting classifications (1 of 4 stars). 2 submissions from 2 submitters: Uncertain significance (1); Likely benign (1). Last evaluated 2025-11-10.

Conditions:
BEST1-related disorder. Also called: BEST1-related condition; BEST1-related disorders. Identifiers: MedGen CN239200.

Allele frequency attached by ClinVar (database versions not stated): ESP Exome Variant Server 0.00015; 1000 Genomes Project 0.00040; 1000 Genomes Project 30x 0.00062; gnomAD exomes 0.00007; ExAC 0.00009; TOPMed 0.00009; gnomAD 0.00010 and 0.00011.
gnomAD v4.1: 125 of 1,614,198 alleles (0.0077%); highest among the groups gnomAD compares: Admixed American, 0.025%; no homozygotes.

Submissions (2):

Labcorp Genetics (formerly Invitae), Labcorp
Classification: Likely benign. Last evaluated: 2025-11-10. Review status: criteria provided, single submitter. Criteria: Invitae Variant Classification Sherloc (09022015). Collection method: clinical testing. Allele origin: germline.

PreventionGenetics, part of Exact Sciences
Classification: Uncertain significance for BEST1-related condition. Last evaluated: 2025-07-22. Review status: criteria provided, single submitter. Criteria: ACMG Guidelines, 2015. Collection method: clinical testing. Allele origin: germline.
Comment: The BEST1 c.1306G>A variant is predicted to result in the amino acid substitution p.Val436Ile. To our knowledge, this variant has not been reported in the literature. This variant is reported in 0.017% of alleles in individuals of Latino descent in gnomAD. At this time, the clinical significance of this variant is uncertain due to the absence of conclusive functional and genetic evidence.

NM_004183.4(BEST1):c.1306G>A (p.Val436Ile)

Gene: BEST1 (bestrophin 1; plus strand). Cytogenetic location: 11q12.3.
Variant type: single nucleotide variant.
Coding change: c.1306G>A on transcript NM_004183.4 (MANE Select); coding-DNA position 1306, G replaced by A.
Protein change: p.Val436Ile; replaces valine 436 with isoleucine.
Molecular consequence: missense variant. On other transcripts: non-coding transcript variant (1).
Genome position (GRCh38, 1-based): chr11:61,962,460, G>A. VCF-style: chr11-61962460-G-A. GRCh37 (hg19) VCF-style: chr11-61729932-G-A.
Other names: c.1306G>A (NM_004183.3); c.1126G>A, p.Val376Ile (NM_001139443.3, NM_001300787.2); c.1045G>A, p.Val349Ile (NM_001300786.2); c.988G>A, p.Val330Ile (NM_001363591.3); c.*201G>A (NM_001363592.2); c.334G>A, p.Val112Ile (NM_001363593.3); short protein forms V112I, V330I, V349I, V376I, V436I.
Identifiers: ClinVar variation 1126154 (VCV001126154.10), dbSNP rs145439032, ClinGen allele CA6041034.